The following is an entry in ClinVar:

NM_001267550.2(TTN):c.78432T>G (p.Ile26144Met)

Genes: TTN (titin; minus strand), TTN-AS1 (TTN antisense RNA 1; plus strand). Cytogenetic location: 2q31.2.
Variant type: single nucleotide variant.
Coding change: c.78432T>G on transcript NM_001267550.2 (MANE Select); coding-DNA position 78432, T replaced by G.
Protein change: p.Ile26144Met; replaces isoleucine 26144 with methionine.
Molecular consequence: missense variant.
Genome position (GRCh38, 1-based): chr2:178,567,700, A>C on the plus strand (T>G on the coding strand, the complement: TTN is on the minus strand). VCF-style: chr2-178567700-A-C. GRCh37 (hg19) VCF-style: chr2-179432427-A-C.
Other names: c.73509T>G, p.Ile24503Met (NM_001256850.1); c.51237T>G, p.Ile17079Met (NM_003319.4); c.70728T>G, p.Ile23576Met (NM_133378.4); c.51612T>G, p.Ile17204Met (NM_133432.3); c.51813T>G, p.Ile17271Met (NM_133437.4); short protein forms I17079M, I24503M, I17204M, I23576M, I26144M, I17271M.
Identifiers: ClinVar variation 1745492 (VCV001745492.2), dbSNP rs759786276, ClinGen allele CA1989603.

ClinVar aggregate classification (germline): Uncertain significance (1 of 4 stars; one submission).

Conditions:
Cardiovascular phenotype. Identifiers: MedGen CN230736.

Allele frequency attached by ClinVar (database versions not stated): gnomAD exomes below 0.00001; ExAC 0.00001; TOPMed 0.00001; gnomAD 0.00003.
gnomAD v4.1: 6 of 1,611,796 alleles (0.00037%); highest among the groups gnomAD compares: African/African-American, 0.0067%; 1 homozygote.

Submission:

Ambry Genetics
Classification: Uncertain significance for Cardiovascular phenotype. Last evaluated: 2020-01-09. Review status: criteria provided, single submitter. Criteria: Ambry Variant Classification Scheme 2023. Collection method: clinical testing. Allele origin: germline.
Comment: The p.I17079M variant (also known as c.51237T>G), located in coding exon 153 of the TTN gene, results from a T to G substitution at nucleotide position 51237. The isoleucine at codon 17079 is replaced by methionine, an amino acid with highly similar properties. This amino acid position is well conserved in available vertebrate species. In addition, this alteration is predicted to be tolerated by in silico analysis. Since supporting evidence is limited at this time, the clinical significance of this alteration remains unclear.